The following is an entry in ClinVar:

NM_001282531.3(ADNP):c.3233ACA[1] (p.Asn1079del)

Gene: ADNP (activity dependent neuroprotector homeobox; minus strand). Cytogenetic location: 20q13.13.
Variant type: Microsatellite.
Coding change: c.3233ACA[1] on transcript NM_001282531.3 (MANE Select); one copy of the 3-base unit ACA starting at c.3233; the reference has two copies in a row; one copy, 3 bases deleted.
Protein change: p.Asn1079del; deletes asparagine 1079.
Genome position (GRCh38, 1-based): chr20:50,891,476-50,891,478, TGT deleted on the plus strand (ACA on the coding strand, the reverse complement: ADNP is on the minus strand); deleting any 3 consecutive bases within chr20:50,891,476-50,891,481 gives the same sequence; the position shown is the placement nearest the transcript's 3' end. VCF-style (leftmost placement, unchanged base first): chr20-50891475-ATGT-A. GRCh37 (hg19) VCF-style: chr20-49508012-ATGT-A.
Other names: c.3233ACA[1], p.Asn1079del (NM_001282532.2, NM_001347511.2, NM_015339.5 and 1 more transcripts); short protein forms N1079del.
Identifiers: ClinVar variation 3390686 (VCV003390686.2).
Genomic context (GRCh38, chr20:50,891,475, plus strand): 5'-TGGCTGCTCAGTTTAACTCCGGCTAAGCTGCCATGCATGGGCTCAGCTACTCCATCAGTC[ATGT>A]TGTCAAACTGTTCCCCATCCTCACTGTCAATTGTGCTATTCTGCCACTCAATCTGGGGGT-3'

ClinVar aggregate classification (germline): Conflicting classifications of pathogenicity. Review status: criteria provided, conflicting classifications (1 of 4 stars). 2 submissions from 2 submitters: Uncertain significance (1); Likely benign (1). Last evaluated 2025-11-17.

Submissions (2):

Labcorp Genetics (formerly Invitae), Labcorp
Classification: Likely benign. Last evaluated: 2025-11-17. Review status: criteria provided, single submitter. Criteria: Invitae Variant Classification Sherloc (09022015). Collection method: clinical testing. Allele origin: germline.

GeneDx
Classification: Uncertain significance. Last evaluated: 2024-05-30. Review status: criteria provided, single submitter. Criteria: GeneDx Variant Classification Process June 2021. Collection method: clinical testing. Allele origin: germline. Affected: yes.
Comment: In-frame deletion of 1 amino acid in a non-repeat region; In silico analysis indicates that this variant does not alter protein structure/function; Has not been previously published as pathogenic or benign to our knowledge